The following is an entry in ClinVar:

ClinVar aggregate classification (germline): Uncertain significance (1 of 4 stars; one submission).

gnomAD v4.1: 12 of 1,613,962 alleles (0.00074%); highest among the groups gnomAD compares: Non-Finnish European, 0.001%; no homozygotes.

Submission:

Labcorp Genetics (formerly Invitae), Labcorp
Classification: Uncertain significance. Last evaluated: 2024-07-03. Review status: criteria provided, single submitter. Criteria: Invitae Variant Classification Sherloc (09022015). Collection method: clinical testing. Allele origin: germline.
Comment: This sequence change replaces glutamic acid, which is acidic and polar, with lysine, which is basic and polar, at codon 154 of the LIPG protein (p.Glu154Lys). This variant is present in population databases (rs781114281, gnomAD 0.003%). This missense change has been observed in individual(s) with dyslipidemia (PMID: 32041611). An algorithm developed to predict the effect of missense changes on protein structure and function (PolyPhen-2) suggests that this variant is likely to be disruptive. Algorithms developed to predict the effect of sequence changes on RNA splicing suggest that this variant may create or strengthen a splice site. In summary, the available evidence is currently insufficient to determine the role of this variant in disease. Therefore, it has been classified as a Variant of Uncertain Significance.

Literature cited by the submitters: PubMed 32041611.

NM_006033.4(LIPG):c.460G>A (p.Glu154Lys)

Gene: LIPG (lipase G, endothelial type; plus strand). Cytogenetic location: 18q21.1.
Variant type: single nucleotide variant.
Coding change: c.460G>A on transcript NM_006033.4 (MANE Select); coding-DNA position 460, G replaced by A.
Protein change: p.Glu154Lys; replaces glutamic acid 154 with lysine.
Molecular consequence: missense variant.
Genome position (GRCh38, 1-based): chr18:49,569,437, G>A. VCF-style: chr18-49569437-G-A. GRCh37 (hg19) VCF-style: chr18-47095807-G-A.
Other names: c.460G>A, p.Glu154Lys (NM_001308006.2); short protein forms E154K.
Identifiers: ClinVar variation 3672908 (VCV003672908.2).